The following is an entry in ClinVar:

ClinVar aggregate classification (germline): Conflicting classifications of pathogenicity. Review status: criteria provided, conflicting classifications (1 of 4 stars). 7 submissions from 6 submitters: Uncertain significance (4); Benign (1); Likely benign (1). 1 of the submissions does not count toward it. Last evaluated 2024-12-25.

Conditions:
Nephronophthisis. Also called: Juvenile Nephronophthisis. Identifiers: Orphanet 655, MedGen C0687120, MONDO:0019005, HP:0000090.
Jeune thoracic dystrophy. Also called: Short-rib thoracic dysplasia; Infantile thoracic dystrophy; Thoracic pelvic phalangeal dystrophy; Jeune's syndrome; Chondroectodermal dysplasia-like syndrome; Jeune syndrome. Identifiers: Orphanet 474, MedGen C0265275, MONDO:0018770.
TTC21B-related disorder. Also called: TTC21B-related condition; TTC21B-related disorders.
Inborn genetic diseases. Identifiers: MedGen C0950123, MeSH D030342.
Nephronophthisis 12 (NPHP12). Identifiers: Orphanet 655, MedGen C3151186, MONDO:0013442, OMIM 613820.
Asphyxiating thoracic dystrophy 4 (SRTD4). Also called: SHORT-RIB THORACIC DYSPLASIA 4 WITH OR WITHOUT POLYDACTYLY; SHORT-RIB THORACIC DYSPLASIA 4. Identifiers: Orphanet 474, MedGen C3151185, MONDO:0013441, OMIM 613819.

Allele frequency attached by ClinVar (database versions not stated): TOPMed 0.00002; gnomAD 0.00003.
gnomAD v4.1: 62 of 1,612,598 alleles (0.0038%); highest among the groups gnomAD compares: Middle Eastern, 0.049%; no homozygotes.

Submissions (7):

Ambry Genetics
Classification: Uncertain significance for Inborn genetic diseases. Last evaluated: 2024-12-25. Review status: criteria provided, single submitter. Criteria: Ambry Variant Classification Scheme 2023. Collection method: clinical testing. Allele origin: germline.

Labcorp Genetics (formerly Invitae), Labcorp
Classification: Likely benign for Jeune thoracic dystrophy; Nephronophthisis. Last evaluated: 2024-09-17. Review status: criteria provided, single submitter. Criteria: Invitae Variant Classification Sherloc (09022015). Collection method: clinical testing. Allele origin: germline.

Blueprint Genetics
Classification: Benign. Last evaluated: 2022-06-17. Review status: criteria provided, single submitter. Criteria: ACMG Guidelines, 2015. Collection method: clinical testing. Allele origin: germline.

Fulgent Genetics
Classification: Uncertain significance for Asphyxiating thoracic dystrophy 4; Nephronophthisis 12. Last evaluated: 2021-11-02. Review status: criteria provided, single submitter. Criteria: ACMG Guidelines, 2015. Collection method: clinical testing. Allele origin: unknown.

Illumina Laboratory Services, Illumina
Classification: Uncertain significance for Asphyxiating thoracic dystrophy 4. Last evaluated: 2018-01-13. Review status: criteria provided, single submitter. Criteria: ICSL Variant Classification Criteria 13 December 2019. Collection method: clinical testing. Allele origin: germline.

Illumina Laboratory Services, Illumina
Classification: Uncertain significance for Nephronophthisis 12. Last evaluated: 2018-01-13. Review status: criteria provided, single submitter. Criteria: ICSL Variant Classification Criteria 13 December 2019. Collection method: clinical testing. Allele origin: germline.

PreventionGenetics, part of Exact Sciences
Classification: Uncertain significance for TTC21B-related condition. Last evaluated: 2024-09-07. Review status: no assertion criteria provided. Collection method: clinical testing. Allele origin: germline. Not counted in ClinVar's aggregate classification.
Comment: The TTC21B c.2777G>A variant is predicted to result in the amino acid substitution p.Arg926Gln. To our knowledge, this variant has not been reported in the literature. This variant is reported in 0.12% of alleles in individuals of Ashkenazi Jewish descent in gnomAD. Although we suspect that this variant may be benign, at this time, the clinical significance of this variant is uncertain due to the absence of conclusive functional and genetic evidence.

NM_024753.5(TTC21B):c.2777G>A (p.Arg926Gln)

Gene: TTC21B (tetratricopeptide repeat domain 21B; minus strand). Cytogenetic location: 2q24.3.
Variant type: single nucleotide variant.
Coding change: c.2777G>A on transcript NM_024753.5 (MANE Select); coding-DNA position 2777, G replaced by A.
Protein change: p.Arg926Gln; replaces arginine 926 with glutamine.
Molecular consequence: missense variant.
Genome position (GRCh38, 1-based): chr2:165,899,861, C>T on the plus strand (G>A on the coding strand, the complement: TTC21B is on the minus strand). VCF-style: chr2-165899861-C-T. GRCh37 (hg19) VCF-style: chr2-166756371-C-T.
Other names: c.2777G>A (NM_024753.3); short protein forms R926Q.
Identifiers: ClinVar variation 331825 (VCV000331825.16), dbSNP rs747246700, ClinGen allele CA1941701.
Genomic context (GRCh38, chr2:165,899,861, plus strand): 5'-TGAAGCAGTAGAGCACACTGCCGCAGGCAGGAATCAGGGTCATCTTGTGCCAGGTATAAT[C>T]GTGCCAGTTCCAACATAATCTGTAGAGCAAAGGGCTAGATTCATCAGACACTGTATAGAA-3'
Protein context (NP_079029.3, residues 916-936): TDNKIMLELA[Arg926Gln]LYLAQDDPDS